The following is an entry in ClinVar:

ClinVar aggregate classification (germline): Uncertain significance. Review status: criteria provided, multiple submitters, no conflicts (2 of 4 stars). 2 submissions from 2 submitters: Uncertain significance (2). Last evaluated 2025-06-14.

Conditions:
Charcot-Marie-Tooth disease axonal type 2Z. Also called: CHARCOT-MARIE-TOOTH DISEASE, AXONAL, AUTOSOMAL DOMINANT, TYPE 2Z; CHARCOT-MARIE-TOOTH NEUROPATHY, TYPE 2Z. Identifiers: Orphanet 466768, MedGen C5569025, MONDO:0014736, OMIM 616688.

Allele frequency attached by ClinVar (database versions not stated): TOPMed 0.00002.
gnomAD v4.1: 4 of 1,613,238 alleles (0.00025%); highest among the groups gnomAD compares: Non-Finnish European, 0.00034%; no homozygotes.

Submissions (2):

Labcorp Genetics (formerly Invitae), Labcorp
Classification: Uncertain significance for Charcot-Marie-Tooth disease axonal type 2Z. Last evaluated: 2025-06-14. Review status: criteria provided, single submitter. Criteria: Invitae Variant Classification Sherloc (09022015). Collection method: clinical testing. Allele origin: germline.
Comment: This sequence change replaces arginine, which is basic and polar, with serine, which is neutral and polar, at codon 238 of the MORC2 protein (p.Arg238Ser). This variant is not present in population databases (gnomAD no frequency). This variant has not been reported in the literature in individuals affected with MORC2-related conditions. ClinVar contains an entry for this variant (Variation ID: 1040383). Invitae Evidence Modeling of protein sequence and biophysical properties (such as structural, functional, and spatial information, amino acid conservation, physicochemical variation, residue mobility, and thermodynamic stability) indicates that this missense variant is expected to disrupt MORC2 protein function with a positive predictive value of 95%. In summary, the available evidence is currently insufficient to determine the role of this variant in disease. Therefore, it has been classified as a Variant of Uncertain Significance.

GeneDx
Classification: Uncertain significance. Last evaluated: 2019-10-08. Review status: criteria provided, single submitter. Criteria: GeneDx Variant Classification Process June 2021. Collection method: clinical testing. Allele origin: germline. Affected: yes.
Comment: Not observed in large population cohorts (Lek et al., 2016); In silico analysis, which includes protein predictors and evolutionary conservation, supports a deleterious effect; Has not been previously published as pathogenic or benign to our knowledge

NM_001303256.3(MORC2):c.712C>A (p.Arg238Ser)

Gene: MORC2 (MORC family CW-type zinc finger 2; minus strand). Cytogenetic location: 22q12.2.
Variant type: single nucleotide variant.
Coding change: c.712C>A on transcript NM_001303256.3 (MANE Select); coding-DNA position 712, C replaced by A.
Protein change: p.Arg238Ser; replaces arginine 238 with serine.
Molecular consequence: missense variant.
Genome position (GRCh38, 1-based): chr22:30,941,545, G>T on the plus strand (C>A on the coding strand, the complement: MORC2 is on the minus strand). VCF-style: chr22-30941545-G-T. GRCh37 (hg19) VCF-style: chr22-31337532-G-T.
Other names: c.712C>A, p.Arg238Ser (NM_001303257.2); c.526C>A, p.Arg176Ser (NM_014941.3); short protein forms R176S, R238S.
Identifiers: ClinVar variation 1040383 (VCV001040383.10), dbSNP rs371713427, ClinGen allele CA323278146.